The following is an entry in ClinVar:

ClinVar aggregate classification (germline): Conflicting classifications of pathogenicity. Review status: criteria provided, conflicting classifications (1 of 4 stars). 2 submissions from 2 submitters: Uncertain significance (1); Likely benign (1). Last evaluated 2025-06-26.

Allele frequency attached by ClinVar (database versions not stated): gnomAD exomes 0.00002; ExAC 0.00003; gnomAD 0.00007; TOPMed 0.00007.
gnomAD v4.1: 27 of 1,209,513 alleles (0.0022%); highest among the groups gnomAD compares: Middle Eastern, 0.023%; no homozygotes.

Submissions (2):

Ambry Genetics
Classification: Uncertain significance. Last evaluated: 2025-06-26. Review status: criteria provided, single submitter. Criteria: Ambry Variant Classification Scheme 2023. Collection method: clinical testing. Allele origin: germline.

CeGaT Center for Human Genetics Tuebingen
Classification: Likely benign. Last evaluated: 2023-01-01. Review status: criteria provided, single submitter. Criteria: CeGaT Center For Human Genetics Tuebingen Variant Classification Criteria Version 2. Collection method: clinical testing. Allele origin: germline. Affected: yes. Observed: 1 variant allele.
Comment: MXRA5: BP4

NM_015419.4(MXRA5):c.2560G>A (p.Val854Ile)

Gene: MXRA5 (matrix remodeling associated 5; minus strand). Cytogenetic location: Xp22.33.
Variant type: single nucleotide variant.
Coding change: c.2560G>A on transcript NM_015419.4 (MANE Select); coding-DNA position 2560, G replaced by A.
Protein change: p.Val854Ile; replaces valine 854 with isoleucine.
Molecular consequence: missense variant.
Genome position (GRCh38, 1-based): chrX:3,323,125, C>T on the plus strand (G>A on the coding strand, the complement: MXRA5 is on the minus strand). VCF-style: chrX-3323125-C-T. GRCh37 (hg19) VCF-style: chrX-3241166-C-T.
Other names: c.2560G>A (NM_015419.3); short protein forms V854I.
Identifiers: ClinVar variation 2659885 (VCV002659885.25), dbSNP rs41304705, ClinGen allele CA10340152.